The following is an entry in ClinVar:

NM_006440.5(TXNRD2):c.1159T>C (p.Ser387Pro)

Gene: TXNRD2 (thioredoxin reductase 2; minus strand). Cytogenetic location: 22q11.21.
Variant type: single nucleotide variant.
Coding change: c.1159T>C on transcript NM_006440.5 (MANE Select); coding-DNA position 1159, T replaced by C.
Protein change: p.Ser387Pro; replaces serine 387 with proline.
Molecular consequence: missense variant. On other transcripts: non-coding transcript variant (1).
Genome position (GRCh38, 1-based): chr22:19,880,645, A>G on the plus strand (T>C on the coding strand, the complement: TXNRD2 is on the minus strand). VCF-style: chr22-19880645-A-G. GRCh37 (hg19) VCF-style: chr22-19868168-A-G.
Other names: c.1156T>C, p.Ser386Pro (NM_001352300.2); c.1069T>C, p.Ser357Pro (NM_001352301.2); c.871T>C, p.Ser291Pro (NM_001352302.2); short protein forms S386P, S387P, S357P, S291P.
Identifiers: ClinVar variation 4738380 (VCV004738380.1).

ClinVar aggregate classification (germline): Uncertain significance (1 of 4 stars; one submission).

Conditions:
Primary dilated cardiomyopathy (DCM). Also called: Dilated Cardiomyopathy. Identifiers: Orphanet 217604, MedGen C0007193, MeSH D002311, MONDO:0005021, HP:0001644. Inheritance: Various modes of inheritance.

gnomAD v4.1: 12 of 1,613,306 alleles (0.00074%); highest among the groups gnomAD compares: Non-Finnish European, 0.00076%; no homozygotes.

Submission:

Labcorp Genetics (formerly Invitae), Labcorp
Classification: Uncertain significance for Primary dilated cardiomyopathy. Last evaluated: 2025-12-20. Review status: criteria provided, single submitter. Criteria: Invitae Variant Classification Sherloc (09022015). Collection method: clinical testing. Allele origin: germline.
Comment: This sequence change replaces serine, which is neutral and polar, with proline, which is neutral and non-polar, at codon 387 of the TXNRD2 protein (p.Ser387Pro). This variant is present in population databases (rs746938757, gnomAD 0.005%). This variant has not been reported in the literature in individuals affected with TXNRD2-related conditions. An algorithm developed to predict the effect of missense changes on protein structure and function (PolyPhen-2) suggests that this variant is likely to be tolerated. In summary, the available evidence is currently insufficient to determine the role of this variant in disease. Therefore, it has been classified as a Variant of Uncertain Significance.